The following is an entry in ClinVar:

NM_000173.7(GP1BA):c.241T>C (p.Cys81Arg)

Gene: GP1BA (glycoprotein Ib platelet subunit alpha; plus strand). Cytogenetic location: 17p13.2.
Variant type: single nucleotide variant.
Coding change: c.241T>C on transcript NM_000173.7 (MANE Select); coding-DNA position 241, T replaced by C.
Protein change: p.Cys81Arg; replaces cysteine 81 with arginine.
Molecular consequence: missense variant.
Genome position (GRCh38, 1-based): chr17:4,932,845, T>C. VCF-style: chr17-4932845-T-C. GRCh37 (hg19) VCF-style: chr17-4836140-T-C.
Other names: NM_000173.7(GP1BA):c.241T>C; p.Cys81Arg; short protein forms C81R.
Identifiers: ClinVar variation 1677212 (VCV001677212.3), dbSNP rs781541857, ClinGen allele CA287215802.

ClinVar aggregate classification (germline): Pathogenic. Review status: reviewed by expert panel (3 of 4 stars). 2 submissions from 2 submitters: Pathogenic (1). 1 of the submissions does not count toward it. Last evaluated 2025-09-04.

Conditions:
Bernard Soulier syndrome (BSS). Also called: Platelet Glycoprotein 1b, Deficiency of; BLEEDING DISORDER, PLATELET-TYPE, 1; GLYCOPROTEIN Ib, PLATELET, DEFICIENCY OF; PLATELET GLYCOPROTEIN Ib DEFICIENCY; VON WILLEBRAND FACTOR RECEPTOR DEFICIENCY; Giant platelet syndrome. Identifiers: Orphanet 274, MedGen C0005129, MeSH D001606, MONDO:0009276, OMIM 231200.

Submissions (2):

ClinGen Platelet Disorders Variant Curation Expert Panel, ClinGen
Classification: Pathogenic for Bernard Soulier syndrome. Last evaluated: 2025-09-04. Review status: reviewed by expert panel. Criteria: ClinGen Platelet ACMG Specifications GP1BA V1.0.0. Collection method: curation. Allele origin: germline. Inheritance: Autosomal recessive inheritance.
Comment: The NM_000173.7:c.241T>C (p.Cys81Arg) variant in GP1BA is a missense variant predicted to cause substitution of cysteine by arginine at amino acid 81. This variant is absent from gnomAD v4.1.0 (PM2_Supporting). This variant has been detected in at least 9 individuals with Bernard-Soulier syndrome. At least one individual had aggregation absent for ristocetin and present for all other agonists and less than 10% expression of GPIba measured by flow cytometry (PP4; PMID:25370924). One proband was homozygous and two additional probands that were compound heterozygotes for this variant and a second pathogenic variant, NM_000173.7(GP1BA):c.1620G>A, p.Trp540Ter with phase confirmed (PM3_strong; PMID:25370924). The variant was reported to segregate in the proband plus 6 additional homozygous BSS affected individuals from a small town in Iceland (PP1_strong; PMID:25370924). In summary, this variant meets the criteria to be classified as pathogenic for Bernard-Soulier syndrome based on the ACMG/AMP criteria applied, as specified by the ClinGen PD VCEP: PP4, PM2_supporting, PM3_strong, PP1_strong (Platelet VCEP GP1BA specifications version 1).

Women's Health and Genetics/Laboratory Corporation of America, LabCorp
Classification: Pathogenic for Bernard Soulier syndrome. Last evaluated: 2025-03-18. Review status: criteria provided, single submitter. Criteria: LabCorp Variant Classification Summary - May 2015. Collection method: clinical testing. Allele origin: germline. Not counted in ClinVar's aggregate classification.
Comment: Variant summary: GP1BA c.241T>C (p.Cys81Arg) results in a non-conservative amino acid change in the encoded protein sequence. Three of five in-silico tools predict a benign effect of the variant on protein function. The variant was absent in 249212 control chromosomes.c.241T>C has been reported in the literature in individuals affected with Bernard Soulier Syndrome including two siblings who were compound heterozygous for the variant (Kenny_1998) and a patient who was homozygous for the variant (Bragadottir_2014), suggesting an autosomal recessive inheritance pattern. However, Bragadottir_2014 also reported BSS carriers (including carriers of Cys81Arg), had significantly larger platelets and lower platelet counts than controls and some had mild thrombocytopenia. These data indicate that the variant is likely to be associated with disease. Experimental studies have shown that in transiently transfected cells stably expressing the GPb-IX complex, the expression of the variant was similar to the wild-type, but it did not bind vWF (Kenny_1998). The following publications have been ascertained in the context of this evaluation (PMID: 25370924, 9639514). ClinVar contains an entry for this variant (Variation ID: 1677212). Based on the evidence outlined above, the variant was classified as pathogenic.

Literature cited by the submitters: PubMed 25370924 (cited by Women's Health and Genetics/Laboratory Corporation of America, LabCorp); PubMed 9639514 (cited by Women's Health and Genetics/Laboratory Corporation of America, LabCorp).